The following is an entry in ClinVar:

NM_020982.4(CLDN9):c.500dup (p.Trp168fs)

Gene: CLDN9 (claudin 9; plus strand). Cytogenetic location: 16p13.3.
Variant type: Duplication.
Coding change: c.500dup on transcript NM_020982.4 (MANE Select); coding-DNA position 500, one base duplicated (G; older notation c.500dupG).
Protein change: p.Trp168fs; shifts the reading frame from tryptophan 168.
Molecular consequence: frameshift variant.
Genome position (GRCh38, 1-based): chr16:3,013,862, G duplicated; the last of 3 consecutive G bases (chr16:3,013,860-3,013,862); duplicating any one gives the same sequence. VCF-style (leftmost placement, unchanged base first): chr16-3013859-T-TG. GRCh37 (hg19) VCF-style: chr16-3063860-T-TG.
Other names: c.500dupG (NM_020982.4); short protein forms W168fs.
Identifiers: ClinVar variation 1064901 (VCV001064901.4), dbSNP rs1567404609, ClinGen allele CA620711624.

ClinVar aggregate classification (germline): Conflicting classifications of pathogenicity. Review status: criteria provided, conflicting classifications (1 of 4 stars). 2 submissions from 2 submitters: Likely pathogenic (1); Uncertain significance (1). Last evaluated 2023-02-28.

Conditions:
Hearing loss, autosomal recessive 116. Also called: DEAFNESS, AUTOSOMAL RECESSIVE 116. Identifiers: MedGen C5436789, MONDO:0033670, OMIM 619093.
Pendred syndrome (PDS). Also called: Pendred's syndrome; Pendred Syndrome (PDS); DEAFNESS WITH GOITER; GOITER-DEAFNESS SYNDROME; HYPOTHYROIDISM, CONGENITAL, DUE TO DYSHORMONOGENESIS, 2B; THYROID DYSHORMONOGENESIS 2B. Identifiers: Orphanet 705, MedGen C0271829, MONDO:0010134, OMIM 274600.

Submissions (2):

King Laboratory, University of Washington
Classification: Likely pathogenic for Hearing loss, autosomal recessive 116. Last evaluated: 2023-02-28. Review status: criteria provided, single submitter. Criteria: Li et al. (Genet Med. 2022). Collection method: research. Allele origin: unknown. Affected: yes.
Comment: This variant occurred in homozygosity in two siblings with bilateral sensorineural hearing loss of onset <18 years, in a study of pediatric hearing loss conducted by the King Laboratory (Carlson RJ et al. JAMA-OtoHNS 2023). These siblings’ family has no other history of hearing loss. This variant is a single base pair insertion that causes a frameshift that is expected to lead to the addition of 209 incorrect amino acids and an elongated peptide of length 374 amino acids, compared to the normal 217 amino acid protein. As of January 2023, this variant has been reported to ClinVar as a variant of unknown significance and is found in 2 heterozygotes on gnomAD. Based on homozygosity, the prediction that this variant leads to a truncated protein, co-segregation with the phenotype within the family, and goodness of fit of genotype to phenotype, we conclude that this variant is likely pathogenic.

Department of Otolaryngology – Head & Neck Surgery, Cochlear Implant Center
Classification: Uncertain significance for Pendred syndrome. Last evaluated: 2021-04-12. Review status: criteria provided, single submitter. Criteria: ClinGen HL ACMG Specifications v1. Collection method: clinical testing. Allele origin: germline. Affected: yes.
Comment: PM2_Moderate, PP3_Supporting, BP5_Supporting

Literature cited by the submitters: PubMed 36633841 (cited by King Laboratory, University of Washington).